The following is an entry in ClinVar:

NM_001363711.2(DUOX2):c.241C>T (p.Pro81Ser)

Gene: DUOX2 (dual oxidase 2; minus strand). Cytogenetic location: 15q21.1.
Variant type: single nucleotide variant.
Coding change: c.241C>T on transcript NM_001363711.2 (MANE Select); coding-DNA position 241, C replaced by T.
Protein change: p.Pro81Ser; replaces proline 81 with serine.
Molecular consequence: missense variant.
Genome position (GRCh38, 1-based): chr15:45,112,638, G>A on the plus strand (C>T on the coding strand, the complement: DUOX2 is on the minus strand). VCF-style: chr15-45112638-G-A. GRCh37 (hg19) VCF-style: chr15-45404836-G-A.
Other names: c.241C>T, p.Pro81Ser (NM_014080.5); short protein forms P81S.
Identifiers: ClinVar variation 2167207 (VCV002167207.5), dbSNP rs200595348, ClinGen allele CA7539061.

ClinVar aggregate classification (germline): Conflicting classifications of pathogenicity. Review status: criteria provided, conflicting classifications (1 of 4 stars). 2 submissions from 2 submitters: Uncertain significance (1); Likely benign (1). Last evaluated 2026-01-13.

Allele frequency attached by ClinVar (database versions not stated): 1000 Genomes Project 30x 0.00016; 1000 Genomes Project 0.00020.
gnomAD v4.1: 29 of 1,612,942 alleles (0.0018%); highest among the groups gnomAD compares: Admixed American, 0.047%; no homozygotes.

Submissions (2):

Women's Health and Genetics/Laboratory Corporation of America, LabCorp
Classification: Uncertain significance. Last evaluated: 2026-01-13. Review status: criteria provided, single submitter. Criteria: LabCorp Variant Classification Summary - May 2015. Collection method: clinical testing. Allele origin: germline.
Comment: Variant summary: DUOX2 c.241C>T (p.Pro81Ser) results in a non-conservative amino acid change in the encoded protein sequence. Algorithms developed to predict the effect of missense changes on protein structure and function are either unavailable or do not agree on the potential impact of this missense change. The variant allele was found at a frequency of 9.7e-05 in 247478 control chromosomes. This frequency is not significantly higher than estimated for disease-causing variants in DUOX2, allowing no conclusion about variant significance. To our knowledge, no occurrence of c.241C>T in individuals affected with DUOX2-related conditions and no experimental evidence demonstrating its impact on protein function have been reported. ClinVar contains an entry for this variant (Variation ID: 2167207). Based on the evidence outlined above, the variant was classified as uncertain significance.

Labcorp Genetics (formerly Invitae), Labcorp
Classification: Likely benign. Last evaluated: 2025-09-10. Review status: criteria provided, single submitter. Criteria: Invitae Variant Classification Sherloc (09022015). Collection method: clinical testing. Allele origin: germline.